The following is an entry in ClinVar:

ClinVar aggregate classification (germline): Uncertain significance. Review status: criteria provided, multiple submitters, no conflicts (2 of 4 stars). 2 submissions from 2 submitters: Uncertain significance (2). Last evaluated 2025-12-25.

Allele frequency attached by ClinVar (database versions not stated): ExAC 0.00002; gnomAD 0.00002.
gnomAD v4.1: 30 of 1,603,106 alleles (0.0019%); highest among the groups gnomAD compares: African/African-American, 0.0053%; no homozygotes.

Submissions (2):

Labcorp Genetics (formerly Invitae), Labcorp
Classification: Uncertain significance. Last evaluated: 2025-12-25. Review status: criteria provided, single submitter. Criteria: Invitae Variant Classification Sherloc (09022015). Collection method: clinical testing. Allele origin: germline.
Comment: This sequence change replaces proline, which is neutral and non-polar, with leucine, which is neutral and non-polar, at codon 299 of the LZTS1 protein (p.Pro299Leu). This variant is present in population databases (rs756736338, gnomAD 0.009%). This variant has not been reported in the literature in individuals affected with LZTS1-related conditions. ClinVar contains an entry for this variant (Variation ID: 2963701). Invitae Evidence Modeling of protein sequence and biophysical properties (such as structural, functional, and spatial information, amino acid conservation, physicochemical variation, residue mobility, and thermodynamic stability) indicates that this missense variant is not expected to disrupt LZTS1 protein function with a negative predictive value of 80%. In summary, the available evidence is currently insufficient to determine the role of this variant in disease. Therefore, it has been classified as a Variant of Uncertain Significance.

Ambry Genetics
Classification: Uncertain significance. Last evaluated: 2024-07-31. Review status: criteria provided, single submitter. Criteria: Ambry Variant Classification Scheme 2023. Collection method: clinical testing. Allele origin: germline.

NM_021020.5(LZTS1):c.896C>T (p.Pro299Leu)

Gene: LZTS1 (leucine zipper tumor suppressor 1; minus strand). Cytogenetic location: 8p21.3.
Variant type: single nucleotide variant.
Coding change: c.896C>T on transcript NM_021020.5 (MANE Select); coding-DNA position 896, C replaced by T.
Protein change: p.Pro299Leu; replaces proline 299 with leucine.
Molecular consequence: missense variant.
Genome position (GRCh38, 1-based): chr8:20,253,035, G>A on the plus strand (C>T on the coding strand, the complement: LZTS1 is on the minus strand). VCF-style: chr8-20253035-G-A. GRCh37 (hg19) VCF-style: chr8-20110546-G-A.
Other names: c.896C>T (NM_021020.2); c.896C>T, p.Pro299Leu (NM_001362884.2); short protein forms P299L.
Identifiers: ClinVar variation 2963701 (VCV002963701.4), dbSNP rs756736338, ClinGen allele CA4657411.
Genomic context (GRCh38, chr8:20,253,035, plus strand): 5'-TGCTTGAGCTTGTTGCCGCCTTTGGGCTCCGGGCCCTCCAGCTCGTCCCTGCAGCGCCGC[G>A]GCCGCTCCTCGTAGGCCAGGCTGGAGGCAAGCTCCTTCTCCTCAAAGCTGCGCTGCAGCT-3'
Protein context (NP_066300.1, residues 289-309): LASSLAYEER[Pro299Leu]RRCRDELEGP